The following is an entry in ClinVar:

ClinVar aggregate classification (germline): Uncertain significance (1 of 4 stars; one submission).

Conditions:
Nephronophthisis. Also called: Juvenile Nephronophthisis. Identifiers: Orphanet 655, MedGen C0687120, MONDO:0019005, HP:0000090.

Allele frequency attached by ClinVar (database versions not stated): gnomAD below 0.00001 and 0.00003; TOPMed 0.00001; gnomAD exomes 0.00004 and 0.00012; ExAC 0.00014; 1000 Genomes Project 30x 0.00016; 1000 Genomes Project 0.00020.
gnomAD v4.1: 72 of 1,614,124 alleles (0.0045%); highest among the groups gnomAD compares: South Asian, 0.07%; no homozygotes.

Submission:

Labcorp Genetics (formerly Invitae), Labcorp
Classification: Uncertain significance for Nephronophthisis. Last evaluated: 2022-06-03. Review status: criteria provided, single submitter. Criteria: Invitae Variant Classification Sherloc (09022015). Collection method: clinical testing. Allele origin: germline.
Comment: This sequence change replaces lysine, which is basic and polar, with glutamic acid, which is acidic and polar, at codon 999 of the NPHP3 protein (p.Lys999Glu). This variant is present in population databases (rs559425353, gnomAD 0.09%). This variant has not been reported in the literature in individuals affected with NPHP3-related conditions. ClinVar contains an entry for this variant (Variation ID: 1008645). Algorithms developed to predict the effect of missense changes on protein structure and function are either unavailable or do not agree on the potential impact of this missense change (SIFT: "Deleterious"; PolyPhen-2: "Benign"; Align-GVGD: "Class C0"). In summary, the available evidence is currently insufficient to determine the role of this variant in disease. Therefore, it has been classified as a Variant of Uncertain Significance.

NM_153240.5(NPHP3):c.2995A>G (p.Lys999Glu)

Genes: NPHP3 (nephrocystin 3; minus strand), NPHP3-ACAD11 (NPHP3-ACAD11 readthrough (NMD candidate); minus strand). Cytogenetic location: 3q22.1.
Variant type: single nucleotide variant.
Coding change: c.2995A>G on transcript NM_153240.5 (MANE Select); coding-DNA position 2995, A replaced by G.
Protein change: p.Lys999Glu; replaces lysine 999 with glutamic acid.
Molecular consequence: missense variant. On other transcripts: non-coding transcript variant (1).
Genome position (GRCh38, 1-based): chr3:132,688,780, T>C on the plus strand (A>G on the coding strand, the complement: NPHP3 is on the minus strand). VCF-style: chr3-132688780-T-C. GRCh37 (hg19) VCF-style: chr3-132407624-T-C.
Other names: short protein forms K999E.
Identifiers: ClinVar variation 1008645 (VCV001008645.6), dbSNP rs559425353, ClinGen allele CA2621866.